The following is an entry in ClinVar:

ClinVar aggregate classification (germline): Uncertain significance (1 of 4 stars; one submission).

Conditions:
Pyogenic arthritis-pyoderma gangrenosum-acne syndrome (PAPA). Also called: PAPA SYNDROME; FAMILIAL RECURRENT ARTHRITIS. Identifiers: Orphanet 69126, MedGen C1858361, MONDO:0011462, OMIM 604416.

gnomAD v4.1: 3 of 1,581,794 alleles (0.00019%); highest among the groups gnomAD compares: Non-Finnish European, 0.00017%; no homozygotes.

Submission:

Labcorp Genetics (formerly Invitae), Labcorp
Classification: Uncertain significance for Pyogenic arthritis-pyoderma gangrenosum-acne syndrome. Last evaluated: 2024-02-14. Review status: criteria provided, single submitter. Criteria: Invitae Variant Classification Sherloc (09022015). Collection method: clinical testing. Allele origin: germline.
Comment: This sequence change replaces isoleucine, which is neutral and non-polar, with methionine, which is neutral and non-polar, at codon 60 of the PSTPIP1 protein (p.Ile60Met). The frequency data for this variant in the population databases is considered unreliable, as metrics indicate poor data quality at this position in the gnomAD database. This variant has not been reported in the literature in individuals affected with PSTPIP1-related conditions. Advanced modeling of protein sequence and biophysical properties (such as structural, functional, and spatial information, amino acid conservation, physicochemical variation, residue mobility, and thermodynamic stability) has been performed at Invitae for this missense variant, however the output from this modeling did not meet the statistical confidence thresholds required to predict the impact of this variant on PSTPIP1 protein function. In summary, the available evidence is currently insufficient to determine the role of this variant in disease. Therefore, it has been classified as a Variant of Uncertain Significance.

NM_003978.5(PSTPIP1):c.180C>G (p.Ile60Met)

Gene: PSTPIP1 (proline-serine-threonine phosphatase interacting protein 1; plus strand). Cytogenetic location: 15q24.3.
Variant type: single nucleotide variant.
Coding change: c.180C>G on transcript NM_003978.5 (MANE Select); coding-DNA position 180, C replaced by G.
Protein change: p.Ile60Met; replaces isoleucine 60 with methionine.
Molecular consequence: missense variant. On other transcripts: non-coding transcript variant (1).
Genome position (GRCh38, 1-based): chr15:77,018,499, C>G. VCF-style: chr15-77018499-C-G. GRCh37 (hg19) VCF-style: chr15-77310840-C-G.
Other names: c.180C>G, p.Ile60Met (NM_001321135.2, NM_001411086.1); c.153C>G, p.Ile51Met (NM_001321136.2); c.375C>G, p.Ile125Met (NM_001321137.1); short protein forms I125M, I60M, I51M.
Identifiers: ClinVar variation 3692201 (VCV003692201.2).